The following is an entry in ClinVar:

NM_005502.4(ABCA1):c.5753C>T (p.Thr1918Met)

Gene: ABCA1 (ATP binding cassette subfamily A member 1; minus strand). Cytogenetic location: 9q31.1.
Variant type: single nucleotide variant.
Coding change: c.5753C>T on transcript NM_005502.4 (MANE Select); coding-DNA position 5753, C replaced by T.
Protein change: p.Thr1918Met; replaces threonine 1918 with methionine.
Molecular consequence: missense variant.
Genome position (GRCh38, 1-based): chr9:104,792,790, G>A on the plus strand (C>T on the coding strand, the complement: ABCA1 is on the minus strand). VCF-style: chr9-104792790-G-A. GRCh37 (hg19) VCF-style: chr9-107555071-G-A.
Other names: c.5753C>T (NM_005502.3); short protein forms T1918M.
Identifiers: ClinVar variation 2074370 (VCV002074370.5), dbSNP rs752987110, ClinGen allele CA5167751.

ClinVar aggregate classification (germline): Uncertain significance. Review status: criteria provided, multiple submitters, no conflicts (2 of 4 stars). 2 submissions from 2 submitters: Uncertain significance (2). Last evaluated 2026-06-08.

Conditions:
Cardiovascular phenotype. Identifiers: MedGen CN230736.

Allele frequency attached by ClinVar (database versions not stated): gnomAD exomes 0.00002; gnomAD 0.00003; TOPMed 0.00002; ExAC 0.00002.
gnomAD v4.1: 34 of 1,613,868 alleles (0.0021%); highest among the groups gnomAD compares: Middle Eastern, 0.016%; 1 homozygote.

Submissions (2):

Ambry Genetics
Classification: Uncertain significance for Cardiovascular phenotype. Last evaluated: 2026-06-08. Review status: criteria provided, single submitter. Criteria: Ambry Variant Classification Scheme 2023. Collection method: clinical testing. Allele origin: germline.
Comment: The p.T1918M variant (also known as c.5753C>T), located in coding exon 41 of the ABCA1 gene, results from a C to T substitution at nucleotide position 5753. The threonine at codon 1918 is replaced by methionine, an amino acid with similar properties. This amino acid position is highly conserved in available vertebrate species. In addition, this alteration is predicted to be deleterious by in silico analysis. Based on the available evidence, the clinical significance of this variant remains unclear.

Labcorp Genetics (formerly Invitae), Labcorp
Classification: Uncertain significance. Last evaluated: 2024-12-09. Review status: criteria provided, single submitter. Criteria: Invitae Variant Classification Sherloc (09022015). Collection method: clinical testing. Allele origin: germline.
Comment: This sequence change replaces threonine, which is neutral and polar, with methionine, which is neutral and non-polar, at codon 1918 of the ABCA1 protein (p.Thr1918Met). This variant is present in population databases (rs752987110, gnomAD 0.02%). This variant has not been reported in the literature in individuals affected with ABCA1-related conditions. ClinVar contains an entry for this variant (Variation ID: 2074370). Invitae Evidence Modeling of protein sequence and biophysical properties (such as structural, functional, and spatial information, amino acid conservation, physicochemical variation, residue mobility, and thermodynamic stability) has been performed for this missense variant. However, the output from this modeling did not meet the statistical confidence thresholds required to predict the impact of this variant on ABCA1 protein function. In summary, the available evidence is currently insufficient to determine the role of this variant in disease. Therefore, it has been classified as a Variant of Uncertain Significance.